The following is an entry in ClinVar:

NM_000202.8(IDS):c.88_89insAT (p.Ala30fs)

Gene: IDS (iduronate 2-sulfatase; minus strand). Cytogenetic location: Xq28.
Variant type: Insertion.
Coding change: c.88_89insAT on transcript NM_000202.8 (MANE Select); coding-DNA positions 88 to 89, AT inserted.
Protein change: p.Ala30fs; shifts the reading frame from alanine 30.
Molecular consequence: frameshift variant. On other transcripts: 5 prime UTR variant (1), non-coding transcript variant (1).
Genome position: GRCh38 VCF-style: chrX-149505049-G-GAT. GRCh37 (hg19) VCF-style: chrX-148586579-G-GAT.
Other names: c.-139_-138insAT (NM_001166550.4); c.88_89insAT, p.Ala30fs (NM_006123.5); short protein forms A30fs.
Identifiers: ClinVar variation 661523 (VCV000661523.6), dbSNP rs1602750400, ClinGen allele CA915952051.

ClinVar aggregate classification (germline): Pathogenic (1 of 4 stars; one submission).

Conditions:
Mucopolysaccharidosis, MPS-II (MPS2). Also called: Hunter Syndrome; Mucopolysaccharidosis with skin involvement; Mucopolysaccharidosis type 2; IDS deficiency; Sulfoiduronate sulfatase deficiency; SIDS deficiency. Identifiers: Orphanet 580, Orphanet 79388, MedGen C0026705, MONDO:0010674, OMIM 309900.

Submission:

Labcorp Genetics (formerly Invitae), Labcorp
Classification: Pathogenic for Mucopolysaccharidosis, MPS-II. Last evaluated: 2018-08-06. Review status: criteria provided, single submitter. Criteria: Invitae Variant Classification Sherloc (09022015). Collection method: clinical testing. Allele origin: germline.
Comment: This sequence change creates a premature translational stop signal (p.Ala30Aspfs*9) in the IDS gene. It is expected to result in an absent or disrupted protein product. This variant is not present in population databases (ExAC no frequency). This variant has not been reported in the literature in individuals with IDS-related disease. Loss-of-function variants in IDS are known to be pathogenic (PMID: 8940265, 9875019). For these reasons, this variant has been classified as Pathogenic.

Literature cited by the submitters: PubMed 8940265; PubMed 9875019.